The following is an entry in ClinVar:

ClinVar aggregate classification (germline): Uncertain significance (1 of 4 stars; one submission).

Conditions:
Inborn genetic diseases. Identifiers: MedGen C0950123, MeSH D030342.

gnomAD v4.1: 2 of 1,607,030 alleles (0.00012%); highest among the groups gnomAD compares: Non-Finnish European, 0.00017%; no homozygotes.

Submission:

Ambry Genetics
Classification: Uncertain significance for Inborn genetic diseases. Last evaluated: 2025-02-16. Review status: criteria provided, single submitter. Criteria: Ambry Variant Classification Scheme 2023. Collection method: clinical testing. Allele origin: germline.
Comment: The p.S519F variant (also known as c.1556C>T), located in coding exon 15 of the ANKRD26 gene, results from a C to T substitution at nucleotide position 1556. The serine at codon 519 is replaced by phenylalanine, an amino acid with highly dissimilar properties. This amino acid position is conserved. In addition, this alteration is predicted to be tolerated by in silico analysis. Based on the available evidence, the clinical significance of this variant remains unclear.

NM_014915.3(ANKRD26):c.1556C>T (p.Ser519Phe)

Gene: ANKRD26 (ankyrin repeat domain containing 26; minus strand). Cytogenetic location: 10p12.1.
Variant type: single nucleotide variant.
Coding change: c.1556C>T on transcript NM_014915.3 (MANE Select); coding-DNA position 1556, C replaced by T.
Protein change: p.Ser519Phe; replaces serine 519 with phenylalanine.
Molecular consequence: missense variant.
Genome position (GRCh38, 1-based): chr10:27,060,353, G>A on the plus strand (C>T on the coding strand, the complement: ANKRD26 is on the minus strand). VCF-style: chr10-27060353-G-A. GRCh37 (hg19) VCF-style: chr10-27349282-G-A.
Other names: c.1556C>T, p.Ser519Phe (NM_001256053.2); short protein forms S519F.
Identifiers: ClinVar variation 3871400 (VCV003871400.1).